The following is an entry in ClinVar:

ClinVar aggregate classification (germline): Uncertain significance (1 of 4 stars; one submission).

Submission:

GeneDx
Classification: Uncertain significance. Last evaluated: 2020-02-11. Review status: criteria provided, single submitter. Criteria: GeneDx Variant Classification Process June 2021. Collection method: clinical testing. Allele origin: germline. Affected: yes.
Comment: Not observed in large population cohorts (Lek et al., 2016); In silico analysis supports that this missense variant has a deleterious effect on protein structure/function; Has not been previously reported as pathogenic or benign to our knowledge; This variant is associated with the following publications: (PMID: 26492180)

NM_001429.4(EP300):c.1057C>T (p.Arg353Cys)

Gene: EP300 (E1A binding protein p300; plus strand). Cytogenetic location: 22q13.2.
Variant type: single nucleotide variant.
Coding change: c.1057C>T on transcript NM_001429.4 (MANE Select); coding-DNA position 1057, C replaced by T.
Protein change: p.Arg353Cys; replaces arginine 353 with cysteine.
Molecular consequence: missense variant.
Genome position (GRCh38, 1-based): chr22:41,127,637, C>T. VCF-style: chr22-41127637-C-T. GRCh37 (hg19) VCF-style: chr22-41523641-C-T.
Other names: c.1057C>T, p.Arg353Cys (NM_001362843.2); short protein forms R353C.
Identifiers: ClinVar variation 1315304 (VCV001315304.2), dbSNP rs2145710304, ClinGen allele CA411683930.